The following is an entry in ClinVar:

NM_015175.3(NBEAL2):c.1198-5C>T

Gene: NBEAL2 (neurobeachin like 2; plus strand). Cytogenetic location: 3p21.31.
Variant type: single nucleotide variant.
Coding change: c.1198-5C>T on transcript NM_015175.3 (MANE Select); 5 bases into the intron before coding-DNA position 1198, C replaced by T.
Molecular consequence: intron variant.
Genome position (GRCh38, 1-based): chr3:46,994,450, C>T. VCF-style: chr3-46994450-C-T. GRCh37 (hg19) VCF-style: chr3-47035940-C-T.
Other names: p.?; c.1096-5C>T (NM_001365116.2).
Identifiers: ClinVar variation 4684693 (VCV004684693.1).

ClinVar aggregate classification (germline): Likely benign (1 of 4 stars; one submission).

gnomAD v4.1: 2 of 1,583,904 alleles (0.00013%); highest among the groups gnomAD compares: African/African-American, 0.0013%; no homozygotes.

Submission:

Mayo Clinic Laboratories, Mayo Clinic
Classification: Likely benign. Last evaluated: 2025-08-15. Review status: criteria provided, single submitter. Criteria: ACMG Guidelines, 2015. Collection method: clinical testing. Allele origin: germline. Observed: 1 variant allele.
Comment: BP4, BP7, PM2_supporting